The following is an entry in ClinVar:

NM_206933.4(USH2A):c.1454T>C (p.Ile485Thr)

Gene: USH2A (usherin; minus strand). Cytogenetic location: 1q41.
Variant type: single nucleotide variant.
Coding change: c.1454T>C on transcript NM_206933.4 (MANE Select); coding-DNA position 1454, T replaced by C.
Protein change: p.Ile485Thr; replaces isoleucine 485 with threonine.
Molecular consequence: missense variant.
Genome position (GRCh38, 1-based): chr1:216,323,570, A>G on the plus strand (T>C on the coding strand, the complement: USH2A is on the minus strand). VCF-style: chr1-216323570-A-G. GRCh37 (hg19) VCF-style: chr1-216496912-A-G.
Other names: c.1454T>C, p.Ile485Thr (NM_007123.6); short protein forms I485T.
Identifiers: ClinVar variation 5003327 (VCV005003327.1).

ClinVar aggregate classification (germline): Uncertain significance (1 of 4 stars; one submission).

Conditions:
USH2A-related disorder. Also called: USH2A-related disorders; USH2A-related condition. Identifiers: MedGen CN239332.

gnomAD v4.1: 2 of 1,613,518 alleles (0.00012%); highest among the groups gnomAD compares: Non-Finnish European, 0.00017%; no homozygotes.

Submission:

Myriad Genetics, Inc.
Classification: Uncertain significance for USH2A-related disorder. Last evaluated: 2025-08-21. Review status: criteria provided, single submitter. Criteria: Myriad Autosomal Dominant, Autosomal Recessive and X-Linked Classification Criteria (2023). Collection method: clinical testing. Allele origin: unknown.
Comment: NM_206933.2(USH2A):c.1454T>C(I485T) is a missense variant classified as a variant of uncertain significance in the context of USH2A-related disorders. I485T has been observed in a case with relevant disease (PMID: 26927203). Relevant functional assessments of this variant are not available in the literature. I485T has been observed in referenced population frequency databases. In summary, there is insufficient evidence to classify NM_206933.2(USH2A):c.1454T>C(I485T) as pathogenic or benign. Please note: this variant was assessed in the context of healthy population screening.

Literature cited by the submitters: PubMed 26927203.